The following is an entry in ClinVar:

NM_024105.4(ALG12):c.468A>G (p.Val156=)

Gene: ALG12 (ALG12 alpha-1,6-mannosyltransferase; minus strand). Cytogenetic location: 22q13.33.
Variant type: single nucleotide variant.
Coding change: c.468A>G on transcript NM_024105.4 (MANE Select); coding-DNA position 468, A replaced by G.
Protein change: p.Val156=; no amino-acid change (valine 156 retained).
Molecular consequence: synonymous variant.
Genome position (GRCh38, 1-based): chr22:49,910,435, T>C on the plus strand (A>G on the coding strand, the complement: ALG12 is on the minus strand). VCF-style: chr22-49910435-T-C. GRCh37 (hg19) VCF-style: chr22-50304083-T-C.
Identifiers: ClinVar variation 1494927 (VCV001494927.6), dbSNP rs1221631800, ClinGen allele CA514983820.

ClinVar aggregate classification (germline): Uncertain significance (1 of 4 stars; one submission).

Conditions:
ALG12-congenital disorder of glycosylation (CDG1G). Also called: CDG Ig; Congenital disorder of glycosylation, type Ig; ALG12-CDG. Identifiers: Orphanet 79324, MedGen C2931001, MONDO:0011783, OMIM 607143.

Allele frequency attached by ClinVar (database versions not stated): gnomAD exomes below 0.00001.
gnomAD v4.1: 5 of 1,613,316 alleles (0.00031%); highest among the groups gnomAD compares: Admixed American, 0.0033%; 1 homozygote.

Submission:

Labcorp Genetics (formerly Invitae), Labcorp
Classification: Uncertain significance for ALG12-congenital disorder of glycosylation. Last evaluated: 2025-03-17. Review status: criteria provided, single submitter. Criteria: Invitae Variant Classification Sherloc (09022015). Collection method: clinical testing. Allele origin: germline.
Comment: This sequence change affects codon 156 of the ALG12 mRNA. It is a 'silent' change, meaning that it does not change the encoded amino acid sequence of the ALG12 protein. It affects a nucleotide within the consensus splice site. This variant is present in population databases (no rsID available, gnomAD 0.004%). This variant has not been reported in the literature in individuals affected with ALG12-related conditions. ClinVar contains an entry for this variant (Variation ID: 1494927). Algorithms developed to predict the effect of sequence changes on RNA splicing suggest that this variant is not likely to affect RNA splicing. In summary, the available evidence is currently insufficient to determine the role of this variant in disease. Therefore, it has been classified as a Variant of Uncertain Significance.